The following is an entry in ClinVar:

ClinVar aggregate classification (germline): Pathogenic. Review status: criteria provided, multiple submitters, no conflicts (2 of 4 stars). 2 submissions from 2 submitters: Pathogenic (2). Last evaluated 2023-06-15.

Conditions:
Cardiovascular phenotype. Identifiers: MedGen CN230736.
Arrhythmogenic right ventricular dysplasia 8 (ARVD8). Also called: Arrhythmogenic Right Ventricular Dysplasia/Cardiomyopathy 8; ARRHYTHMOGENIC RIGHT VENTRICULAR DYSPLASIA, FAMILIAL, 8; ARRHYTHMOGENIC RIGHT VENTRICULAR CARDIOMYOPATHY 8. Identifiers: MedGen C1843896, MONDO:0011831, OMIM 607450.
Arrhythmogenic cardiomyopathy with wooly hair and keratoderma. Also called: PALMOPLANTAR KERATODERMA WITH LEFT VENTRICULAR CARDIOMYOPATHY AND WOOLLY HAIR; Carvajal syndrome; Dilated cardiomyopathy with woolly hair and keratoderma; Arrhythmogenic cardiomyopathy with woolly hair and keratoderma. Identifiers: Orphanet 65282, MedGen C1854063, MONDO:0011581, OMIM 605676.

Submissions (2):

Labcorp Genetics (formerly Invitae), Labcorp
Classification: Pathogenic for Arrhythmogenic cardiomyopathy with wooly hair and keratoderma; Arrhythmogenic right ventricular dysplasia 8. Last evaluated: 2023-06-15. Review status: criteria provided, single submitter. Criteria: Invitae Variant Classification Sherloc (09022015). Collection method: clinical testing. Allele origin: germline.
Comment: For these reasons, this variant has been classified as Pathogenic. ClinVar contains an entry for this variant (Variation ID: 1794336). This variant has not been reported in the literature in individuals affected with DSP-related conditions. This variant is not present in population databases (gnomAD no frequency). This sequence change creates a premature translational stop signal (p.Gln884Hisfs*9) in the DSP gene. It is expected to result in an absent or disrupted protein product. Loss-of-function variants in DSP are known to be pathogenic (PMID: 20716751, 24503780, 25227139).

Ambry Genetics
Classification: Pathogenic for Cardiovascular phenotype. Last evaluated: 2022-08-11. Review status: criteria provided, single submitter. Criteria: Ambry Variant Classification Scheme 2023. Collection method: clinical testing. Allele origin: germline.
Comment: The c.2652_2653delAA pathogenic mutation, located in coding exon 19 of the DSP gene, results from a deletion of two nucleotides at nucleotide positions 2652 to 2653, causing a translational frameshift with a predicted alternate stop codon (p.Q884Hfs*9). This variant is considered to be rare based on population cohorts in the Genome Aggregation Database (gnomAD). In addition, alterations in DSP that result in haploinsufficiency or protein truncation have been reported in patients with arrhythmogenic right ventricular cardiomyopathy (ARVC) and dilated cardiomyopathy (DCM) (Fressart V et al. Europace. 2010;12(6):861-8; Elliott P et al. Circ Cardiovasc Genet. 2010;3(4):314-22; Quarta G et al. Circulation. 2011;123(23):2701-9; Garcia-Pavia P et al. Heart. 2011;97(21):1744-52; Rasmussen TB et al. Clin Genet. 2013;84(1):20-30; Pugh TJ et al. Genet Med. 2014;16(8):601-8). This alteration is expected to result in loss of function by premature protein truncation or nonsense-mediated mRNA decay. Based on the supporting evidence, this alteration is interpreted as a disease-causing mutation.

Literature cited by the submitters: PubMed 20716751 (cited by Labcorp Genetics (formerly Invitae), Labcorp); PubMed 24503780 (cited by Labcorp Genetics (formerly Invitae), Labcorp); PubMed 25227139 (cited by Labcorp Genetics (formerly Invitae), Labcorp).

NM_004415.4(DSP):c.2652_2653del (p.Gln884fs)

Gene: DSP (desmoplakin; plus strand). Cytogenetic location: 6p24.3.
Variant type: Deletion.
Coding change: c.2652_2653del on transcript NM_004415.4 (MANE Select); coding-DNA positions 2652 to 2653, 2 bases deleted (AA; older notation c.2652_2653delAA).
Protein change: p.Gln884fs; shifts the reading frame from glutamine 884.
Molecular consequence: frameshift variant.
Genome position (GRCh38, 1-based): chr6:7,576,315-7,576,316, AA deleted; deleting any 2 consecutive bases within chr6:7,576,314-7,576,316 gives the same sequence; the c. name uses the placement nearest the transcript's 3' end. VCF-style (leftmost placement, unchanged base first): chr6-7576313-CAA-C. GRCh37 (hg19) VCF-style: chr6-7576546-CAA-C.
Other names: c.2652_2653del, p.Gln884fs (NM_001008844.3, NM_001319034.2); short protein forms Q884fs.
Identifiers: ClinVar variation 1794336 (VCV001794336.7), dbSNP rs2533911099, ClinGen allele CA2580075373.